The following is an entry in ClinVar:

ClinVar aggregate classification (germline): Uncertain significance (1 of 4 stars; one submission).

Conditions:
Holoprosencephaly 9 (HPE9). Also called: PITUITARY ANOMALIES WITH HOLOPROSENCEPHALY-LIKE FEATURES; HOLOPROSENCEPHALY WITH MICROPHTHALMIA AND FIRST BRANCHIAL ARCH ANOMALIES. Identifiers: Orphanet 2162, MedGen C1835819, MONDO:0012563, OMIM 610829.
Postaxial polydactyly-anterior pituitary anomalies-facial dysmorphism syndrome. Also called: Culler-Jones syndrome. Identifiers: Orphanet 420584, MedGen C4014479, MONDO:0014369, OMIM 615849.

Allele frequency attached by ClinVar (database versions not stated): TOPMed 0.00001.
gnomAD v4.1: 5 of 1,614,014 alleles (0.00031%); highest among the groups gnomAD compares: Admixed American, 0.0017%; no homozygotes.

Submission:

Labcorp Genetics (formerly Invitae), Labcorp
Classification: Uncertain significance for Postaxial polydactyly-anterior pituitary anomalies-facial dysmorphism syndrome; Holoprosencephaly 9. Last evaluated: 2022-11-24. Review status: criteria provided, single submitter. Criteria: Invitae Variant Classification Sherloc (09022015). Collection method: clinical testing. Allele origin: germline.
Comment: This sequence change replaces threonine, which is neutral and polar, with isoleucine, which is neutral and non-polar, at codon 1546 of the GLI2 protein (p.Thr1546Ile). This variant is present in population databases (rs776523101, gnomAD 0.003%). This variant has not been reported in the literature in individuals affected with GLI2-related conditions. Advanced modeling of protein sequence and biophysical properties (such as structural, functional, and spatial information, amino acid conservation, physicochemical variation, residue mobility, and thermodynamic stability) performed at Invitae indicates that this missense variant is expected to disrupt GLI2 protein function. In summary, the available evidence is currently insufficient to determine the role of this variant in disease. Therefore, it has been classified as a Variant of Uncertain Significance.

NM_001374353.1(GLI2):c.4586C>T (p.Thr1529Ile)

Gene: GLI2 (GLI family zinc finger 2; plus strand). Cytogenetic location: 2q14.2.
Variant type: single nucleotide variant.
Coding change: c.4586C>T on transcript NM_001374353.1 (MANE Select); coding-DNA position 4586, C replaced by T.
Protein change: p.Thr1529Ile; replaces threonine 1529 with isoleucine.
Molecular consequence: missense variant.
Genome position (GRCh38, 1-based): chr2:120,990,551, C>T. VCF-style: chr2-120990551-C-T. GRCh37 (hg19) VCF-style: chr2-121748127-C-T.
Other names: c.4211C>T, p.Thr1404Ile (NM_001374354.1); c.4637C>T, p.Thr1546Ile (NM_005270.5, NM_001371271.1); short protein forms T1404I, T1546I, T1529I.
Identifiers: ClinVar variation 2926815 (VCV002926815.3), dbSNP rs776523101, ClinGen allele CA1852668.